The following is an entry in ClinVar:

ClinVar aggregate classification (germline): Uncertain significance (1 of 4 stars; one submission).

gnomAD v4.1: 8 of 1,613,494 alleles (0.0005%); highest among the groups gnomAD compares: Non-Finnish European, 0.00068%; no homozygotes.

Submission:

Labcorp Genetics (formerly Invitae), Labcorp
Classification: Uncertain significance. Last evaluated: 2024-05-22. Review status: criteria provided, single submitter. Criteria: Invitae Variant Classification Sherloc (09022015). Collection method: clinical testing. Allele origin: germline.
Comment: This sequence change replaces glycine, which is neutral and non-polar, with serine, which is neutral and polar, at codon 377 of the FGG protein (p.Gly377Ser). This variant also falls at the last nucleotide of exon 8, which is part of the consensus splice site for this exon. This variant is present in population databases (rs192482410, gnomAD 0.002%). This missense change has been observed in individual(s) with hypofibrinogenemias (PMID: 17331136). This variant is also known as G321S. An algorithm developed to predict the effect of missense changes on protein structure and function (PolyPhen-2) suggests that this variant is likely to be disruptive. Variants that disrupt the consensus splice site are a relatively common cause of aberrant splicing (PMID: 17576681, 9536098). In summary, the available evidence is currently insufficient to determine the role of this variant in disease. Therefore, it has been classified as a Variant of Uncertain Significance.

Literature cited by the submitters: PubMed 17331136; PubMed 17576681; PubMed 9536098.

NM_021870.3(FGG):c.1129G>A (p.Gly377Ser)

Gene: FGG (fibrinogen gamma chain; minus strand). Cytogenetic location: 4q32.1.
Variant type: single nucleotide variant.
Coding change: c.1129G>A on transcript NM_021870.3 (MANE Select); coding-DNA position 1129, G replaced by A.
Protein change: p.Gly377Ser; replaces glycine 377 with serine.
Molecular consequence: missense variant.
Genome position (GRCh38, 1-based): chr4:154,606,705, C>T on the plus strand (G>A on the coding strand, the complement: FGG is on the minus strand). VCF-style: chr4-154606705-C-T. GRCh37 (hg19) VCF-style: chr4-155527857-C-T.
Other names: c.1129G>A, p.Gly377Ser (NM_000509.6); short protein forms G377S.
Identifiers: ClinVar variation 3720596 (VCV003720596.2).